The following is an entry in ClinVar:

ClinVar aggregate classification (germline): Benign/Likely benign. Review status: criteria provided, multiple submitters, no conflicts (2 of 4 stars). 9 submissions from 9 submitters: Benign (4); Likely benign (4). 1 of the submissions does not count toward it. Last evaluated 2026-09-01.

Conditions:
GALNT12-related disorder. Also called: GALNT12-related condition.
Colorectal cancer, susceptibility to, 1. Also called: COLORECTAL ADENOMA AND CANCER, SUSCEPTIBILITY TO; COLORECTAL CANCER, SUSCEPTIBILITY TO, ON CHROMOSOME 9. Identifiers: MedGen C1837315, MONDO:0012132, OMIM 608812.

Allele frequency attached by ClinVar (database versions not stated): 1000 Genomes Project 30x 0.00156; 1000 Genomes Project 0.00180; TOPMed 0.00303; ESP Exome Variant Server 0.00415.

Submissions (9):

CeGaT Center for Human Genetics Tuebingen
Classification: Likely benign. Last evaluated: 2026-09-01. Review status: criteria provided, single submitter. Criteria: CeGaT Center For Human Genetics Tuebingen Variant Classification Criteria Version 2. Collection method: clinical testing. Allele origin: germline. Affected: yes. Observed: 1 variant allele.
Comment: GALNT12: BP4, BP7, BS2

Myriad Genetics, Inc.
Classification: Benign for Colorectal cancer, susceptibility to, 1. Last evaluated: 2026-04-27. Review status: criteria provided, single submitter. Criteria: Myriad Autosomal Dominant, Autosomal Recessive and X-Linked Classification Criteria (2023). Collection method: clinical testing. Allele origin: unknown.
Comment: This variant is considered benign. This variant is a silent/synonymous amino acid change and it is not expected to impact splicing.

Labcorp Genetics (formerly Invitae), Labcorp
Classification: Benign. Last evaluated: 2026-02-03. Review status: criteria provided, single submitter. Criteria: Invitae Variant Classification Sherloc (09022015). Collection method: clinical testing. Allele origin: germline.

Quest Diagnostics Nichols Institute San Juan Capistrano
Classification: Benign. Last evaluated: 2025-08-11. Review status: criteria provided, single submitter. Criteria: Quest Diagnostics criteria. Collection method: clinical testing. Allele origin: unknown.

Department of Pathology and Laboratory Medicine, Sinai Health System
Classification: Benign for Colorectal cancer, susceptibility to, 1. Last evaluated: 2021-10-21. Review status: criteria provided, single submitter. Criteria: ACMG Guidelines, 2015. Collection method: clinical testing. Allele origin: germline. Affected: yes.

GeneDx
Classification: Likely benign. Last evaluated: 2021-05-19. Review status: criteria provided, single submitter. Criteria: GeneDx Variant Classification Process June 2021. Collection method: clinical testing. Allele origin: germline. Affected: yes.

Ambry Genetics
Classification: Likely benign. Last evaluated: 2016-09-09. Review status: criteria provided, single submitter. Criteria: Ambry Variant Classification Scheme 2023. Collection method: clinical testing. Allele origin: germline.

Breakthrough Genomics
Classification: Likely benign. Review status: criteria provided, single submitter. Criteria: ACMG Guidelines, 2015. Collection method: not provided. Allele origin: germline. Inheritance: Unknown mechanism. Affected: yes.

PreventionGenetics, part of Exact Sciences
Classification: Likely benign for GALNT12-related condition. Last evaluated: 2024-05-24. Review status: no assertion criteria provided. Collection method: clinical testing. Allele origin: germline. Not counted in ClinVar's aggregate classification.
Comment: This variant is classified as likely benign based on ACMG/AMP sequence variant interpretation guidelines (Richards et al. 2015 PMID: 25741868, with internal and published modifications).

Literature cited by the submitters: PubMed 29095867 (cited by Quest Diagnostics Nichols Institute San Juan Capistrano); PubMed 24115450 (cited by Quest Diagnostics Nichols Institute San Juan Capistrano).

NM_024642.5(GALNT12):c.1392C>G (p.Pro464=)

Gene: GALNT12 (polypeptide N-acetylgalactosaminyltransferase 12; plus strand). Cytogenetic location: 9q22.33.
Variant type: single nucleotide variant.
Coding change: c.1392C>G on transcript NM_024642.5 (MANE Select); coding-DNA position 1392, C replaced by G.
Protein change: p.Pro464=; no amino-acid change (proline 464 retained).
Molecular consequence: synonymous variant.
Genome position (GRCh38, 1-based): chr9:98,844,143, C>G. VCF-style: chr9-98844143-C-G. GRCh37 (hg19) VCF-style: chr9-101606425-C-G.
Identifiers: ClinVar variation 220673 (VCV000220673.25), dbSNP rs35616709, ClinGen allele CA350318.